The following is an entry in ClinVar:

ClinVar aggregate classification (germline): Likely pathogenic. Review status: reviewed by expert panel (3 of 4 stars). 9 submissions from 9 submitters: Likely pathogenic (1). 8 of the submissions do not count toward it. Last evaluated 2026-06-23.

Conditions:
Fetal anomalies with a likely genetic cause.
Galactosemia. Also called: Galactose intolerance. Identifiers: Orphanet 352, MedGen C0016952, MONDO:0018116, HP:0004919. Disease mechanism: loss of function.
Deficiency of UDPglucose-hexose-1-phosphate uridylyltransferase. Also called: GALACTOSE-1-PHOSPHATE URIDYLYLTRANSFERASE DEFICIENCY; GALACTOSEMIA I; GALT deficiency; Galactosemia, classic; Transferase Deficiency Galactosemia. Identifiers: Orphanet 352, Orphanet 79239, MedGen C0268151, MONDO:0009258, OMIM 230400.

Allele frequency attached by ClinVar (database versions not stated): gnomAD exomes 0.00004; ExAC 0.00006; ESP Exome Variant Server 0.00008; gnomAD 0.00009 and 0.00010; TOPMed 0.00012.
gnomAD v4.1: 42 of 1,613,992 alleles (0.0026%); highest among the groups gnomAD compares: African/African-American, 0.024%; no homozygotes.

Submissions (9):

Clingen Galactosemia Variant Curation Expert Panel, ClinGen
Classification: Likely pathogenic for Galactosemia. Last evaluated: 2026-06-23. Review status: reviewed by expert panel. Criteria: ClinGen Galactosemia ACMG Specifications GALT V1.1. Collection method: curation. Allele origin: germline. Inheritance: Autosomal recessive inheritance.
Comment: The c.864C>T variant is a synonymous (silent) variant (p.Asn288=); however the computational splicing predictor SpliceAI gives a score of 0.22 for donor loss, predicting that the variant disrupts the donor splice site of intron 9 of GALT (PP3). The filtering allele frequency of the c.864C>T variant in GALT is 0.0001547 for African/African American chromosomes by gnomAD v4.1.0, which is lower than the ClinGen Galactosemia threshold (≤0.0005) for PM2_Supporting, and therefore meets this criterion (PM2_Supporting). This variant has been detected in at least 3 individuals with galactosemia (PMID: 22944367; 33636947; Internal lab contributors). Of those individuals, 2 were compound heterozygous for the variant and a pathogenic or likely pathogenic variant. One individual also had a pathogenic p.Ser135Leu variant and GALT activity of 1.8 U/g Hb L (Ref Interval: 14.7-25.4 U/g Hb L). Another individual also had a pathogenic p.Phe171Ser variant and GALT activity of 2.5 U/g Hb L (Ref Interval: 14.7-25.4 U/g Hb L) (PM3; PP4_moderate). In summary, this variant meets the criteria to be classified as likely pathogenic for galactosemia based on the ACMG/AMP criteria applied, as specified by the ClinGen Galactosemia VCEP: PP3; PM2_Supporting; PM3; PP4_moderate (GALT specifications v1.0.0).

Genetics Laboratory, Great Ormond Street Hospital NHS Foundation Trust, North Thames Genomic Laboratory Hub
Classification: Uncertain significance for Fetal anomalies with a likely genetic cause. Last evaluated: 2026-03-07. Review status: criteria provided, single submitter. Criteria: ACGS Best Practice Guidelines for Variant Classification in Rare Disease 2024 v1.2. Collection method: clinical testing. Allele origin: germline. Affected: yes. Not counted in ClinVar's aggregate classification.
Comment: PM2_moderate, PP3_supporting, PP4_supporting

Mayo Clinic Laboratories, Mayo Clinic
Classification: Uncertain significance. Last evaluated: 2025-07-28. Review status: criteria provided, single submitter. Criteria: ACMG Guidelines, 2015. Collection method: clinical testing. Allele origin: germline. Observed: 2 variant alleles. Not counted in ClinVar's aggregate classification.
Comment: BP4, BP7, PP4, PM2_moderate

Women's Health and Genetics/Laboratory Corporation of America, LabCorp
Classification: Uncertain significance. Last evaluated: 2025-02-27. Review status: criteria provided, single submitter. Criteria: LabCorp Variant Classification Summary - May 2015. Collection method: clinical testing. Allele origin: germline. Not counted in ClinVar's aggregate classification.
Comment: Variant summary: GALT c.864C>T alters a conserved nucleotide resulting in a synonymous change. Several computational tools predict a significant impact on normal splicing: One predict the variant strengthens a cryptic 3' acceptor site. However, these predictions have yet to be confirmed by functional studies. The variant allele was found at a frequency of 4.4e-05 in 251692 control chromosomes. This frequency is not significantly higher than estimated for a pathogenic variant in GALT causing Galactosemia (4.4e-05 vs 0.0029), allowing no conclusion about variant significance. The variant, c.864C>T, has been reported in the literature in two compound heterozygous individuals affected with Galactosemia (McDonald_2009, Boutron_2012). One of these reports also noted that the diagnosis was confirmed by absent GALT activity in erythrocytes in all their cases, though no patient specific data were provided (Boutron 2012). The variant has also been reported in homozygosity in a sample from an individual that had only a residual GALT activity; and although no information was provided on the patient's phenotype, the measured enzyme activity was specific for galactosemia (Yuzyuk_2018). A conference abstract (McDonald 2009) described that cDNA containing the variant of interest (from a proband and probands father) was void of exon 9, although they both had additional variants leading to a complex haplotype (N288N, T292T and H315H) and it is not clear if the exon skipping effect was caused solely by our variant of interest or a combination effect due to this specific haplotype. These data indicate that the variant may be associated with disease. The following publications have been ascertained in the context of this evaluation (PMID: 22944367, 33636947). ClinVar contains an entry for this variant (Variation ID: 203732). Based on the evidence outlined above, the variant was classified as VUS-possibly pathogenic.

Labcorp Genetics (formerly Invitae), Labcorp
Classification: Uncertain significance for Deficiency of UDPglucose-hexose-1-phosphate uridylyltransferase. Last evaluated: 2024-10-30. Review status: criteria provided, single submitter. Criteria: Invitae Variant Classification Sherloc (09022015). Collection method: clinical testing. Allele origin: germline. Not counted in ClinVar's aggregate classification.
Comment: This sequence change affects codon 288 of the GALT mRNA. It is a 'silent' change, meaning that it does not change the encoded amino acid sequence of the GALT protein. This variant is present in population databases (rs372134800, gnomAD 0.03%). This variant has been observed in individual(s) with features of galactosemia (PMID: 22944367). ClinVar contains an entry for this variant (Variation ID: 203732). Algorithms developed to predict the effect of sequence changes on RNA splicing suggest that this variant may disrupt the consensus splice site. In summary, the available evidence is currently insufficient to determine the role of this variant in disease. Therefore, it has been classified as a Variant of Uncertain Significance.

Mendelics
Classification: Uncertain significance for Deficiency of UDPglucose-hexose-1-phosphate uridylyltransferase. Last evaluated: 2023-06-02. Review status: criteria provided, single submitter. Criteria: Mendelics Assertion Criteria 2017. Collection method: clinical testing. Allele origin: unknown. Not counted in ClinVar's aggregate classification.

ARUP Laboratories, Molecular Genetics and Genomics, ARUP Laboratories
Classification: Uncertain significance. Last evaluated: 2017-02-14. Review status: criteria provided, single submitter. Criteria: ARUP Molecular Germline Variant Investigation Process. Collection method: clinical testing. Allele origin: germline. Not counted in ClinVar's aggregate classification.

Natera, Inc.
Classification: Uncertain significance for Galactosemia. Last evaluated: 2020-09-16. Review status: no assertion criteria provided. Collection method: clinical testing. Allele origin: germline. Not counted in ClinVar's aggregate classification.

Counsyl
Classification: Uncertain significance for Deficiency of UDPglucose-hexose-1-phosphate uridylyltransferase. Last evaluated: 2017-05-12. Review status: no assertion criteria provided. Collection method: clinical testing. Allele origin: unknown. Not counted in ClinVar's aggregate classification.

Literature cited by the submitters: PubMed 22944367 (cited by 4 submitters); PubMed 33636947 (cited by Mayo Clinic Laboratories, Mayo Clinic and Women's Health and Genetics/Laboratory Corporation of America, LabCorp).

NM_000155.4(GALT):c.864C>T (p.Asn288=)

Gene: GALT (galactose-1-phosphate uridylyltransferase; plus strand). Cytogenetic location: 9p13.3.
Variant type: single nucleotide variant.
Coding change: c.864C>T on transcript NM_000155.4 (MANE Select); coding-DNA position 864, C replaced by T.
Protein change: p.Asn288=; no amino-acid change (asparagine 288 retained).
Molecular consequence: synonymous variant.
Genome position (GRCh38, 1-based): chr9:34,649,041, C>T. VCF-style: chr9-34649041-C-T. GRCh37 (hg19) VCF-style: chr9-34649038-C-T.
Other names: p.Asn288=; NM_000155.4(GALT):c.864C>T; c.537C>T, p.Asn179= (NM_001258332.2).
Identifiers: ClinVar variation 203732 (VCV000203732.34), dbSNP rs372134800, ClinGen allele CA312558.